The following is an entry in ClinVar:

ClinVar aggregate classification (germline): Uncertain significance (0 of 4 stars; one submission).

Conditions:
HUWE1-related disorder. Also called: HUWE1-related condition.

Allele frequency attached by ClinVar (database versions not stated): TOPMed below 0.00001.

Submission:

PreventionGenetics, part of Exact Sciences
Classification: Uncertain significance for HUWE1-related condition. Last evaluated: 2024-02-16. Review status: no assertion criteria provided. Collection method: clinical testing. Allele origin: germline.
Comment: The HUWE1 c.4300G>C variant is predicted to result in the amino acid substitution p.Asp1434His. To our knowledge, this variant has not been reported in the literature or in a large population database, indicating this variant is rare. At this time, the clinical significance of this variant is uncertain due to the absence of conclusive functional and genetic evidence.

NM_031407.7(HUWE1):c.4300G>C (p.Asp1434His)

Gene: HUWE1 (HECT, UBA and WWE domain containing E3 ubiquitin protein ligase 1; minus strand). Cytogenetic location: Xp11.22.
Variant type: single nucleotide variant.
Coding change: c.4300G>C on transcript NM_031407.7 (MANE Select); coding-DNA position 4300, G replaced by C.
Protein change: p.Asp1434His; replaces aspartic acid 1434 with histidine.
Molecular consequence: missense variant.
Genome position (GRCh38, 1-based): chrX:53,589,708, C>G on the plus strand (G>C on the coding strand, the complement: HUWE1 is on the minus strand). VCF-style: chrX-53589708-C-G. GRCh37 (hg19) VCF-style: chrX-53616668-C-G.
Other names: short protein forms D1434H.
Identifiers: ClinVar variation 3029661 (VCV003029661.2), dbSNP rs2064050805, ClinGen allele CA413176631.
Genomic context (GRCh38, chrX:53,589,708, plus strand): 5'-GCTCATCAAGAAGGTGGAAGCAGCCTGGCAACATAGTATCTGTGAAAGTGTGGAGCTCAT[C>G]TTGTTCCAACGGGTCAGCATCCTGGAACTTCTCTAGACATTTAGCCTCTTCCTCCTCCTG-3'
Protein context (NP_113584.3, residues 1424-1444): KFQDADPLEQ[Asp1434His]ELHTFTDTML